The following is an entry in ClinVar:

NM_002230.4(JUP):c.*286C>T

Gene: JUP (junction plakoglobin; minus strand). Cytogenetic location: 17q21.2.
Variant type: single nucleotide variant.
Coding change: c.*286C>T on transcript NM_002230.4 (MANE Select); 286 bases downstream of the stop codon, C replaced by T.
Molecular consequence: 3 prime UTR variant. On other transcripts: intron variant (5).
Genome position (GRCh38, 1-based): chr17:41,755,458, G>A on the plus strand (C>T on the coding strand, the complement: JUP is on the minus strand). VCF-style: chr17-41755458-G-A. GRCh37 (hg19) VCF-style: chr17-39911710-G-A.
Other names: c.*286C>T (NM_001352773.2); c.*15-26C>T (NM_001352774.2, NM_021991.4, NM_001352776.2 and 2 more transcripts).
Identifiers: ClinVar variation 323157 (VCV000323157.8), dbSNP rs73983656, ClinGen allele CA10645639.

ClinVar aggregate classification (germline): Benign/Likely benign. Review status: criteria provided, multiple submitters, no conflicts (2 of 4 stars). 4 submissions from 3 submitters: Benign (1); Likely benign (3). Last evaluated 2018-06-29.

Conditions:
Arrhythmogenic right ventricular dysplasia 12. Also called: ARRHYTHMOGENIC RIGHT VENTRICULAR DYSPLASIA, FAMILIAL, 12. Identifiers: MedGen C1969081, MONDO:0012684, OMIM 611528.
Naxos disease (NXD). Also called: KERATOSIS PALMOPLANTARIS WITH ARRHYTHMOGENIC CARDIOMYOPATHY; MAL DE NAXOS; PALMOPLANTAR KERATODERMA WITH ARRHYTHMOGENIC RIGHT VENTRICULAR CARDIOMYOPATHY AND WOOLLY HAIR; WOOLLY HAIR, PALMOPLANTAR KERATODERMA, AND CARDIAC ABNORMALITIES; CARDIOMYOPATHY, ARRHYTHMOGENIC RIGHT VENTRICULAR, WITH SKIN, HAIR, AND NAIL ABNORMALITIES. Identifiers: Orphanet 34217, MedGen C1832600, MONDO:0011017, OMIM 601214.

Allele frequency attached by ClinVar (database versions not stated): gnomAD exomes 0.00374; gnomAD 0.03095 and 0.03337; 1000 Genomes Project 0.03275; 1000 Genomes Project 30x 0.03310; TOPMed 0.03488.

Submissions (4):

GeneDx
Classification: Benign. Last evaluated: 2018-06-29. Review status: criteria provided, single submitter. Criteria: GeneDx Variant Classification Process June 2021. Collection method: clinical testing. Allele origin: germline. Affected: yes.

Illumina Laboratory Services, Illumina
Classification: Likely benign for Arrhythmogenic right ventricular dysplasia 12. Last evaluated: 2017-04-27. Review status: criteria provided, single submitter. Criteria: ICSL Variant Classification Criteria 13 December 2019. Collection method: clinical testing. Allele origin: germline.
Comment: This variant was observed as part of a predisposition screen in an ostensibly healthy population. A literature search was performed for the gene, cDNA change, and amino acid change (where applicable). No publications were found based on this search. Allele frequency data from public databases allowed determination this variant is unlikely to cause disease. Therefore, this variant is classified as likely benign.

Illumina Laboratory Services, Illumina
Classification: Likely benign for Naxos disease. Last evaluated: 2017-04-27. Review status: criteria provided, single submitter. Criteria: ICSL Variant Classification Criteria 13 December 2019. Collection method: clinical testing. Allele origin: germline.
Comment: the same text as in the submission from Illumina Laboratory Services, Illumina above.

Breakthrough Genomics
Classification: Likely benign. Review status: criteria provided, single submitter. Criteria: ACMG Guidelines, 2015. Collection method: not provided. Allele origin: germline. Inheritance: Autosomal recessive inheritance. Affected: yes.